The following is an entry in ClinVar:

NM_000719.7(CACNA1C):c.4984G>C (p.Gly1662Arg)

Genes: CACNA1C (calcium voltage-gated channel subunit alpha1 C; plus strand), CACNA1C-AS1 (CACNA1C antisense RNA 1; minus strand). Cytogenetic location: 12p13.33.
Variant type: single nucleotide variant.
Coding change: c.4984G>C on transcript NM_000719.7 (MANE Select); coding-DNA position 4984, G replaced by C.
Protein change: p.Gly1662Arg; replaces glycine 1662 with arginine.
Molecular consequence: missense variant. On other transcripts: non-coding transcript variant (1).
Genome position (GRCh38, 1-based): chr12:2,677,760, G>C. VCF-style: chr12-2677760-G-C. GRCh37 (hg19) VCF-style: chr12-2786926-G-C.
Other names: c.5128G>C, p.Gly1710Arg (NM_001129827.2, NM_199460.4); c.5107G>C, p.Gly1703Arg (NM_001129829.2); c.4984G>C, p.Gly1662Arg (NM_001129830.3, NM_001129840.2, NM_001129841.2 and 4 more transcripts); c.5068G>C, p.Gly1690Arg (NM_001129831.2); c.5044G>C, p.Gly1682Arg (NM_001129832.2); c.5041G>C, p.Gly1681Arg (NM_001129833.2, NM_001129834.2, NM_001129835.2); c.5035G>C, p.Gly1679Arg (NM_001129836.2); c.5008G>C, p.Gly1670Arg (NM_001129837.2, NM_001129838.2); and 3 more; short protein forms G1651R, G1679R, G1690R, G1659R, G1668R, G1670R, G1682R, G1662R.
Identifiers: ClinVar variation 2039133 (VCV002039133.4), dbSNP rs778011390, ClinGen allele CA383378237.

ClinVar aggregate classification (germline): Uncertain significance (1 of 4 stars; one submission).

Conditions:
Long QT syndrome (LQTS). Identifiers: MedGen C0023976, MeSH D008133, MONDO:0002442. Disease mechanism: loss of function. Inheritance: Various modes of inheritance.

gnomAD v4.1: 3 of 1,613,664 alleles (0.00019%); highest among the groups gnomAD compares: Admixed American, 0.0033%; no homozygotes.

Submission:

Labcorp Genetics (formerly Invitae), Labcorp
Classification: Uncertain significance for Long QT syndrome. Last evaluated: 2022-10-10. Review status: criteria provided, single submitter. Criteria: Invitae Variant Classification Sherloc (09022015). Collection method: clinical testing. Allele origin: germline.
Comment: In summary, the available evidence is currently insufficient to determine the role of this variant in disease. Therefore, it has been classified as a Variant of Uncertain Significance. Advanced modeling of protein sequence and biophysical properties (such as structural, functional, and spatial information, amino acid conservation, physicochemical variation, residue mobility, and thermodynamic stability) has been performed at Invitae for this missense variant, however the output from this modeling did not meet the statistical confidence thresholds required to predict the impact of this variant on CACNA1C protein function. This variant has not been reported in the literature in individuals affected with CACNA1C-related conditions. This variant is present in population databases (no rsID available, gnomAD 0.003%). This sequence change replaces glycine, which is neutral and non-polar, with arginine, which is basic and polar, at codon 1662 of the CACNA1C protein (p.Gly1662Arg).